The following is an entry in ClinVar:

ClinVar aggregate classification (germline): Benign/Likely benign. Review status: criteria provided, multiple submitters, no conflicts (2 of 4 stars). 6 submissions from 6 submitters: Benign (4); Likely benign (2). Last evaluated 2026-09-01.

Conditions:
Autosomal recessive ataxia due to ubiquinone deficiency. Also called: SPINOCEREBELLAR ATAXIA, AUTOSOMAL RECESSIVE 9; Coenzyme Q10 deficiency, primary, 4. Identifiers: Orphanet 139485, MedGen C2677589, MONDO:0012784, OMIM 612016.

Allele frequency attached by ClinVar (database versions not stated): 1000 Genomes Project 0.00160; 1000 Genomes Project 30x 0.00187; ExAC 0.00457; gnomAD exomes 0.00482 and 0.00779; gnomAD 0.00557 and 0.00567; TOPMed 0.00567; ESP Exome Variant Server 0.00630.
gnomAD v4.1: 12,157 of 1,613,992 alleles (0.75%); highest among the groups gnomAD compares: Non-Finnish European, 0.94%; 64 homozygotes.

Submissions (6):

CeGaT Center for Human Genetics Tuebingen
Classification: Likely benign. Last evaluated: 2026-09-01. Review status: criteria provided, single submitter. Criteria: CeGaT Center For Human Genetics Tuebingen Variant Classification Criteria Version 2. Collection method: clinical testing. Allele origin: germline. Affected: yes. Observed: 40 variant alleles.
Comment: COQ8A: BP4, BP7, BS2

Labcorp Genetics (formerly Invitae), Labcorp
Classification: Benign. Last evaluated: 2026-02-01. Review status: criteria provided, single submitter. Criteria: Invitae Variant Classification Sherloc (09022015). Collection method: clinical testing. Allele origin: germline.

Mayo Clinic Laboratories, Mayo Clinic
Classification: Benign. Last evaluated: 2023-09-25. Review status: criteria provided, single submitter. Criteria: ACMG Guidelines, 2015. Collection method: clinical testing. Allele origin: germline. Observed: 33 variant alleles.
Comment: BS1, BS2, BP4, BP7

Illumina Laboratory Services, Illumina
Classification: Likely benign for Autosomal recessive ataxia due to ubiquinone deficiency. Last evaluated: 2018-01-13. Review status: criteria provided, single submitter. Criteria: ICSL Variant Classification Criteria 13 December 2019. Collection method: clinical testing. Allele origin: germline.
Comment: This variant was observed in the ICSL laboratory as part of a predisposition screen in an ostensibly healthy population. It had not been previously curated by ICSL or reported in the Human Gene Mutation Database (HGMD: prior to June 1st, 2018), and was therefore a candidate for classification through an automated scoring system. Utilizing variant allele frequency, disease prevalence and penetrance estimates, and inheritance mode, an automated score was calculated to assess if this variant is too frequent to cause the disease. Based on the score and internal cut-off values, a variant classified as likely benign is not then subjected to further curation. The score for this variant resulted in a classification of likely benign for this disease.

Athena Diagnostics
Classification: Benign. Last evaluated: 2017-10-18. Review status: criteria provided, single submitter. Criteria: Athena Diagnostics Criteria. Collection method: clinical testing. Allele origin: germline.

GeneDx
Classification: Benign. Last evaluated: 2014-03-22. Review status: criteria provided, single submitter. Criteria: GeneDx Variant Classification (06012015). Collection method: clinical testing. Allele origin: germline. Affected: yes.
Comment: This variant is considered likely benign or benign based on one or more of the following criteria: it is a conservative change, it occurs at a poorly conserved position in the protein, it is predicted to be benign by multiple in silico algorithms, and/or has population frequency not consistent with disease.

NM_020247.5(COQ8A):c.291C>T (p.Ser97=)

Gene: COQ8A (coenzyme Q8A; plus strand). Cytogenetic location: 1q42.13.
Variant type: single nucleotide variant.
Coding change: c.291C>T on transcript NM_020247.5 (MANE Select); coding-DNA position 291, C replaced by T.
Protein change: p.Ser97=; no amino-acid change (serine 97 retained).
Molecular consequence: synonymous variant.
Genome position (GRCh38, 1-based): chr1:226,965,113, C>T. VCF-style: chr1-226965113-C-T. GRCh37 (hg19) VCF-style: chr1-227152814-C-T.
Other names: p.S97S:TCC>TCT; p.Ser97=.
Identifiers: ClinVar variation 136299 (VCV000136299.49), dbSNP rs111529228, ClinGen allele CA289304.